The following is an entry in ClinVar:

NM_000222.3(KIT):c.2911C>T (p.Leu971Phe)

Gene: KIT (KIT proto-oncogene, receptor tyrosine kinase; plus strand). Cytogenetic location: 4q12.
Variant type: single nucleotide variant.
Coding change: c.2911C>T on transcript NM_000222.3 (MANE Select); coding-DNA position 2911, C replaced by T.
Protein change: p.Leu971Phe; replaces leucine 971 with phenylalanine.
Molecular consequence: missense variant.
Genome position (GRCh38, 1-based): chr4:54,738,537, C>T. VCF-style: chr4-54738537-C-T. GRCh37 (hg19) VCF-style: chr4-55604703-C-T.
Other names: c.2899C>T, p.Leu967Phe (NM_001093772.2, NM_001385292.1); c.2914C>T, p.Leu972Phe (NM_001385284.1); c.2908C>T, p.Leu970Phe (NM_001385285.1); c.2896C>T, p.Leu966Phe (NM_001385286.1); c.2902C>T, p.Leu968Phe (NM_001385288.1); c.2911C>T, p.Leu971Phe (NM_001385290.1); c.2911C>T (NM_000222.2); short protein forms L966F, L971F, L970F, L972F, L967F, L968F.
Identifiers: ClinVar variation 1409623 (VCV001409623.8), dbSNP rs745807112, ClinGen allele CA2923900.

ClinVar aggregate classification (germline): Uncertain significance. Review status: criteria provided, multiple submitters, no conflicts (2 of 4 stars). 2 submissions from 2 submitters: Uncertain significance (2). Last evaluated 2025-11-03.

Conditions:
Hereditary cancer-predisposing syndrome. Also called: Tumor predisposition; Hereditary Cancer Syndrome; Hereditary neoplastic syndrome; Neoplastic Syndromes, Hereditary. Identifiers: Orphanet 140162, MedGen C0027672, MeSH D009386, MONDO:0015356.
Gastrointestinal stromal tumor. Also called: Gastrointestinal stroma tumor; Gastrointestinal stromal tumor, somatic. Identifiers: Orphanet 44890, MedGen C0238198, MeSH D046152, MONDO:0011719, OMIM 606764, HP:0100723.

Allele frequency attached by ClinVar (database versions not stated): gnomAD exomes below 0.00001; ExAC 0.00001.
gnomAD v4.1: 1 of 1,614,108 alleles (0.000062%); highest among the groups gnomAD compares: Non-Finnish European, 0.000085%; no homozygotes.

Submissions (2):

Ambry Genetics
Classification: Uncertain significance for Hereditary cancer-predisposing syndrome. Last evaluated: 2025-11-03. Review status: criteria provided, single submitter. Criteria: Ambry Variant Classification Scheme 2023. Collection method: clinical testing. Allele origin: germline.
Comment: The p.L971F variant (also known as c.2911C>T), located in coding exon 21 of the KIT gene, results from a C to T substitution at nucleotide position 2911. The leucine at codon 971 is replaced by phenylalanine, an amino acid with highly similar properties. This amino acid position is conserved. In addition, the in silico prediction for this alteration is inconclusive. Based on the available evidence, the clinical significance of this variant remains unclear.

Labcorp Genetics (formerly Invitae), Labcorp
Classification: Uncertain significance for Gastrointestinal stromal tumor. Last evaluated: 2024-05-23. Review status: criteria provided, single submitter. Criteria: Invitae Variant Classification Sherloc (09022015). Collection method: clinical testing. Allele origin: germline.
Comment: This sequence change replaces leucine, which is neutral and non-polar, with phenylalanine, which is neutral and non-polar, at codon 971 of the KIT protein (p.Leu971Phe). This variant is present in population databases (rs745807112, gnomAD 0.0009%). This variant has not been reported in the literature in individuals affected with KIT-related conditions. ClinVar contains an entry for this variant (Variation ID: 1409623). An algorithm developed to predict the effect of missense changes on protein structure and function (PolyPhen-2) suggests that this variant is likely to be disruptive. In summary, the available evidence is currently insufficient to determine the role of this variant in disease. Therefore, it has been classified as a Variant of Uncertain Significance.